The following is an entry in ClinVar:

ClinVar aggregate classification (germline): Uncertain significance (1 of 4 stars; one submission).

Conditions:
Cardiovascular phenotype. Identifiers: MedGen CN230736.

Submission:

Ambry Genetics
Classification: Uncertain significance for Cardiovascular phenotype. Last evaluated: 2024-05-10. Review status: criteria provided, single submitter. Criteria: Ambry Variant Classification Scheme 2023. Collection method: clinical testing. Allele origin: germline.
Comment: The p.A338V variant (also known as c.1013C>T), located in coding exon 7 of the FKTN gene, results from a C to T substitution at nucleotide position 1013. The alanine at codon 338 is replaced by valine, an amino acid with similar properties. This amino acid position is conserved. In addition, the in silico prediction for this alteration is inconclusive. Based on the available evidence, the clinical significance of this variant remains unclear.

NM_001079802.2(FKTN):c.1013C>T (p.Ala338Val)

Gene: FKTN (fukutin; plus strand). Cytogenetic location: 9q31.2.
Variant type: single nucleotide variant.
Coding change: c.1013C>T on transcript NM_001079802.2 (MANE Select); coding-DNA position 1013, C replaced by T.
Protein change: p.Ala338Val; replaces alanine 338 with valine.
Molecular consequence: missense variant. On other transcripts: non-coding transcript variant (1).
Genome position (GRCh38, 1-based): chr9:105,618,061, C>T. VCF-style: chr9-105618061-C-T. GRCh37 (hg19) VCF-style: chr9-108380342-C-T.
Other names: c.1013C>T, p.Ala338Val (NM_001198963.2, NM_001351496.2, NM_001351498.2 and 1 more transcripts); c.944C>T, p.Ala315Val (NM_001351497.2); c.617C>T, p.Ala206Val (NM_001351499.2, NM_001351500.2, NM_001351501.2 and 1 more transcripts); short protein forms A206V, A315V, A338V.
Identifiers: ClinVar variation 3278999 (VCV003278999.1).